The following is an entry in ClinVar:

ClinVar aggregate classification (germline): Likely pathogenic (1 of 4 stars; one submission).

Submission:

GeneDx
Classification: Likely pathogenic. Last evaluated: 2024-04-06. Review status: criteria provided, single submitter. Criteria: GeneDx Variant Classification Process June 2021. Collection method: clinical testing. Allele origin: germline. Affected: yes.
Comment: Not observed at significant frequency in large population cohorts (gnomAD); In silico analysis supports that this missense variant does not alter protein structure/function; This variant is associated with the following publications: (PMID: 33234470)

NM_000317.3(PTS):c.43T>G (p.Ser15Ala)

Genes: PTS (6-pyruvoyltetrahydropterin synthase; plus strand), LOC130006765 (ATAC-STARR-seq lymphoblastoid silent region 3906; plus strand). Cytogenetic location: 11q23.1.
Variant type: single nucleotide variant.
Coding change: c.43T>G on transcript NM_000317.3 (MANE Select); coding-DNA position 43, T replaced by G.
Protein change: p.Ser15Ala; replaces serine 15 with alanine.
Molecular consequence: missense variant.
Genome position (GRCh38, 1-based): chr11:112,226,486, T>G. VCF-style: chr11-112226486-T-G. GRCh37 (hg19) VCF-style: chr11-112097209-T-G.
Other names: short protein forms S15A.
Identifiers: ClinVar variation 3360527 (VCV003360527.1).